The following is an entry in ClinVar:

NM_004959.5(NR5A1):c.275G>C (p.Arg92Pro)

Gene: NR5A1 (nuclear receptor subfamily 5 group A member 1; minus strand). Cytogenetic location: 9q33.3.
Variant type: single nucleotide variant.
Coding change: c.275G>C on transcript NM_004959.5 (MANE Select); coding-DNA position 275, G replaced by C.
Protein change: p.Arg92Pro; replaces arginine 92 with proline.
Molecular consequence: missense variant.
Genome position (GRCh38, 1-based): chr9:124,500,685, C>G on the plus strand (G>C on the coding strand, the complement: NR5A1 is on the minus strand). VCF-style: chr9-124500685-C-G. GRCh37 (hg19) VCF-style: chr9-127262964-C-G.
Other names: short protein forms R92P.
Identifiers: ClinVar variation 3382010 (VCV003382010.2).
Genomic context (GRCh38, chr9:124,500,685, plus strand): 5'-TGTGCCTTCTTCTGCTGTTTCAGGGCCCGGTCCCGCTTGTACATCGGCCCAAACTTGTTC[C>G]GGCCACCCCTCATACGGTCAGCGCGCACGGCTGTGGGCAGGGGCAGAGGGTCAGACTCAC-3'
Protein context (NP_004950.2, residues 82-102): AVRADRMRGG[Arg92Pro]NKFGPMYKRD

ClinVar aggregate classification (germline): Uncertain significance (1 of 4 stars; one submission).

Conditions:
Spermatogenic failure 8 (SPGF8). Identifiers: MedGen C3151406, MONDO:0013504, OMIM 613957.

Submission:

Juno Genomics, Hangzhou Juno Genomics, Inc
Classification: Uncertain significance for Spermatogenic failure 8. Review status: criteria provided, single submitter. Criteria: ACMG Guidelines, 2015. Collection method: clinical testing. Allele origin: germline. Affected: yes.
Comment: Absent from controls (or at extremely low frequency if recessive) in Genome Aggregation Database, Exome Sequencing Project, 1000 Genomes Project, or Exome Aggregation Consortium.;Multiple lines of computational evidence support a deleterious effect on the gene or gene product (conservation, evolutionary, splicing impact, etc).;Patient's phenotype or family history is highly specific for a disease with a single genetic etiology.